The following is an entry in ClinVar:

NM_001367721.1(CASK):c.388C>T (p.Arg130Cys)

Gene: CASK (calcium/calmodulin dependent serine protein kinase; minus strand). Cytogenetic location: Xp11.4.
Variant type: single nucleotide variant.
Coding change: c.388C>T on transcript NM_001367721.1 (MANE Select); coding-DNA position 388, C replaced by T.
Protein change: p.Arg130Cys; replaces arginine 130 with cysteine.
Molecular consequence: missense variant.
Genome position (GRCh38, 1-based): chrX:41,739,425, G>A on the plus strand (C>T on the coding strand, the complement: CASK is on the minus strand). VCF-style: chrX-41739425-G-A. GRCh37 (hg19) VCF-style: chrX-41598678-G-A.
Other names: c.388C>T, p.Arg130Cys (NM_001126054.3, NM_001126055.3, NM_001410745.1 and 1 more transcripts); short protein forms R130C.
Identifiers: ClinVar variation 3371380 (VCV003371380.2).

ClinVar aggregate classification (germline): Uncertain significance. Review status: criteria provided, multiple submitters, no conflicts (2 of 4 stars). 2 submissions from 2 submitters: Uncertain significance (2). Last evaluated 2025-08-11.

Conditions:
Intellectual disability, CASK-related, X-linked. Identifiers: MedGen CN043158.

Submissions (2):

Labcorp Genetics (formerly Invitae), Labcorp
Classification: Uncertain significance for Intellectual disability, CASK-related, X-linked. Last evaluated: 2025-08-11. Review status: criteria provided, single submitter. Criteria: Invitae Variant Classification Sherloc (09022015). Collection method: clinical testing. Allele origin: germline.
Comment: This sequence change replaces arginine, which is basic and polar, with cysteine, which is neutral and slightly polar, at codon 130 of the CASK protein (p.Arg130Cys). This variant is not present in population databases (gnomAD no frequency). This variant has not been reported in the literature in individuals affected with CASK-related conditions. ClinVar contains an entry for this variant (Variation ID: 3371380). Invitae Evidence Modeling of protein sequence and biophysical properties (such as structural, functional, and spatial information, amino acid conservation, physicochemical variation, residue mobility, and thermodynamic stability) indicates that this missense variant is not expected to disrupt CASK protein function with a negative predictive value of 80%. In summary, the available evidence is currently insufficient to determine the role of this variant in disease. Therefore, it has been classified as a Variant of Uncertain Significance.

GeneDx
Classification: Uncertain significance. Last evaluated: 2024-03-22. Review status: criteria provided, single submitter. Criteria: GeneDx Variant Classification Process June 2021. Collection method: clinical testing. Allele origin: germline. Affected: yes.
Comment: Not observed at significant frequency in large population cohorts (gnomAD); In silico analysis supports that this missense variant has a deleterious effect on protein structure/function; Has not been previously published as pathogenic or benign to our knowledge